The following is an entry in ClinVar:

NM_005263.5(GFI1):c.1162C>G (p.Arg388Gly)

Genes: GFI1 (growth factor independent 1 transcriptional repressor; minus strand), LOC129930930 (ATAC-STARR-seq lymphoblastoid active region 1314; plus strand). Cytogenetic location: 1p22.1.
Variant type: single nucleotide variant.
Coding change: c.1162C>G on transcript NM_005263.5 (MANE Select); coding-DNA position 1162, C replaced by G.
Protein change: p.Arg388Gly; replaces arginine 388 with glycine.
Molecular consequence: missense variant.
Genome position (GRCh38, 1-based): chr1:92,476,136, G>C on the plus strand (C>G on the coding strand, the complement: GFI1 is on the minus strand). VCF-style: chr1-92476136-G-C. GRCh37 (hg19) VCF-style: chr1-92941693-G-C.
Other names: c.1162C>G, p.Arg388Gly (NM_001127216.3, NM_001127215.3); short protein forms R388G.
Identifiers: ClinVar variation 4671581 (VCV004671581.1).

ClinVar aggregate classification (germline): Uncertain significance (1 of 4 stars; one submission).

Submission:

Ambry Genetics
Classification: Uncertain significance. Last evaluated: 2025-10-23. Review status: criteria provided, single submitter. Criteria: Ambry Variant Classification Scheme 2023. Collection method: clinical testing. Allele origin: germline.
Comment: The p.R388G variant (also known as c.1162C>G), located in coding exon 6 of the GFI1 gene, results from a C to G substitution at nucleotide position 1162. The arginine at codon 388 is replaced by glycine, an amino acid with dissimilar properties. This amino acid position is conserved. In addition, the in silico prediction for this alteration is inconclusive. Based on the available evidence, the clinical significance of this variant remains unclear.